The following is an entry in ClinVar:

ClinVar aggregate classification (germline): Benign/Likely benign. Review status: criteria provided, multiple submitters, no conflicts (2 of 4 stars). 7 submissions from 7 submitters: Benign (4); Likely benign (2). 1 of the submissions does not count toward it. Last evaluated 2026-02-04.

Conditions:
FRAS1-related disorder. Also called: FRAS1-related condition.
Fraser syndrome 1 (FRASRS1). Also called: CRYPTOPHTHALMOS WITH OTHER MALFORMATIONS. Identifiers: Orphanet 2052, MedGen C4551480, MONDO:0054737, OMIM 219000.

Allele frequency attached by ClinVar (database versions not stated): TOPMed 0.01258; gnomAD exomes 0.00107 and 0.00276; ExAC 0.00330; 1000 Genomes Project 0.01018; 1000 Genomes Project 30x 0.01093; gnomAD 0.01117 and 0.01189; ESP Exome Variant Server 0.01161.
gnomAD v4.1: 3,337 of 1,613,980 alleles (0.21%); highest among the groups gnomAD compares: African/African-American, 3.8%; 45 homozygotes.

Submissions (7):

Labcorp Genetics (formerly Invitae), Labcorp
Classification: Benign. Last evaluated: 2026-02-04. Review status: criteria provided, single submitter. Criteria: Invitae Variant Classification Sherloc (09022015). Collection method: clinical testing. Allele origin: germline.

CeGaT Center for Human Genetics Tuebingen
Classification: Benign. Last evaluated: 2026-01-01. Review status: criteria provided, single submitter. Criteria: CeGaT Center For Human Genetics Tuebingen Variant Classification Criteria Version 2. Collection method: clinical testing. Allele origin: germline. Affected: yes. Observed: 2 variant alleles.
Comment: FRAS1: BP4, BS1, BS2

Mayo Clinic Laboratories, Mayo Clinic
Classification: Benign. Last evaluated: 2024-09-30. Review status: criteria provided, single submitter. Criteria: ACMG Guidelines, 2015. Collection method: clinical testing. Allele origin: germline. Observed: 2 variant alleles.
Comment: BS1, BS2, BP4

Illumina Laboratory Services, Illumina
Classification: Benign for Fraser syndrome 1. Last evaluated: 2018-01-13. Review status: criteria provided, single submitter. Criteria: ICSL Variant Classification Criteria 13 December 2019. Collection method: clinical testing. Allele origin: germline.
Comment: This variant was observed in the ICSL laboratory as part of a predisposition screen in an ostensibly healthy population. It had not been previously curated by ICSL or reported in the Human Gene Mutation Database (HGMD: prior to June 1st, 2018), and was therefore a candidate for classification through an automated scoring system. Utilizing variant allele frequency, disease prevalence and penetrance estimates, and inheritance mode, an automated score was calculated to assess if this variant is too frequent to cause the disease. Based on the score and internal cut-off values, a variant classified as benign is not then subjected to further curation. The score for this variant resulted in a classification of benign for this disease.

Center for Pediatric Genomic Medicine, Children's Mercy Hospital and Clinics
Classification: Likely benign. Last evaluated: 2015-09-28. Review status: criteria provided, single submitter. Criteria: ACMG Guidelines, 2015. Collection method: clinical testing. Allele origin: germline.
ClinVar note: Converted during submission from Likely Benign to Likely benign.

Breakthrough Genomics
Classification: Likely benign. Review status: criteria provided, single submitter. Criteria: ACMG Guidelines, 2015. Collection method: not provided. Allele origin: germline. Inheritance: Autosomal recessive inheritance. Affected: yes.

PreventionGenetics, part of Exact Sciences
Classification: Benign for FRAS1-related condition. Last evaluated: 2019-05-21. Review status: no assertion criteria provided. Collection method: clinical testing. Allele origin: germline. Not counted in ClinVar's aggregate classification.
Comment: This variant is classified as benign based on ACMG/AMP sequence variant interpretation guidelines (Richards et al. 2015 PMID: 25741868, with internal and published modifications).

Literature cited by the submitters: PubMed 31308072 (cited by Mayo Clinic Laboratories, Mayo Clinic).

NM_025074.7(FRAS1):c.1769T>C (p.Met590Thr)

Gene: FRAS1 (Fraser extracellular matrix complex subunit 1; plus strand). Cytogenetic location: 4q21.21.
Variant type: single nucleotide variant.
Coding change: c.1769T>C on transcript NM_025074.7 (MANE Select); coding-DNA position 1769, T replaced by C.
Protein change: p.Met590Thr; replaces methionine 590 with threonine.
Molecular consequence: missense variant.
Genome position (GRCh38, 1-based): chr4:78,315,684, T>C. VCF-style: chr4-78315684-T-C. GRCh37 (hg19) VCF-style: chr4-79236838-T-C.
Other names: p.Met590Thr; c.1769T>C, p.Met590Thr (NM_001166133.2); short protein forms M590T.
Identifiers: ClinVar variation 235757 (VCV000235757.23), dbSNP rs35030041, ClinGen allele CA2976422.